The following is an entry in ClinVar:

NM_021076.4(NEFH):c.556G>C (p.Asp186His)

Gene: NEFH (neurofilament heavy chain; plus strand). Cytogenetic location: 22q12.2.
Variant type: single nucleotide variant.
Coding change: c.556G>C on transcript NM_021076.4 (MANE Select); coding-DNA position 556, G replaced by C.
Protein change: p.Asp186His; replaces aspartic acid 186 with histidine.
Molecular consequence: missense variant.
Genome position (GRCh38, 1-based): chr22:29,480,818, G>C. VCF-style: chr22-29480818-G-C. GRCh37 (hg19) VCF-style: chr22-29876807-G-C.
Other names: short protein forms D186H.
Identifiers: ClinVar variation 1748363 (VCV001748363.2), dbSNP rs2517969025, ClinGen allele CA411123140.
Genomic context (GRCh38, chr22:29,480,818, plus strand): 5'-CAGCTACGCCTGGAGCAGGAGCACCTGCTCGAGGACATCGCGCACGTGCGCCAGCGCCTA[G>C]ACGACGAGGCCCGGCAGCGAGAGGAGGCCGAGGCGGCGGCCCGCGCGCTGGCGCGCTTCG-3'
Protein context (NP_066554.2, residues 176-196): EDIAHVRQRL[Asp186His]DEARQREEAE

ClinVar aggregate classification (germline): Uncertain significance (1 of 4 stars; one submission).

Conditions:
Inborn genetic diseases. Identifiers: MedGen C0950123, MeSH D030342.

Allele frequency attached by ClinVar (database versions not stated): gnomAD exomes below 0.00001.
gnomAD v4.1: 1 of 1,399,062 alleles (0.000071%); highest among the groups gnomAD compares: South Asian, 0.0016%; no homozygotes.

Submission:

Ambry Genetics
Classification: Uncertain significance for Inborn genetic diseases. Last evaluated: 2019-11-06. Review status: criteria provided, single submitter. Criteria: Ambry Variant Classification Scheme 2023. Collection method: clinical testing. Allele origin: germline.
Comment: The p.D186H variant (also known as c.556G>C), located in coding exon 1 of the NEFH gene, results from a G to C substitution at nucleotide position 556. The aspartic acid at codon 186 is replaced by histidine, an amino acid with similar properties. This amino acid position is not well conserved in available vertebrate species. In addition, the in silico prediction for this alteration is inconclusive. Since supporting evidence is limited at this time, the clinical significance of this alteration remains unclear.